The following is an entry in ClinVar:

ClinVar aggregate classification (germline): Conflicting classifications of pathogenicity. Review status: criteria provided, conflicting classifications (1 of 4 stars). 2 submissions from 2 submitters: Uncertain significance (1); Likely benign (1). Last evaluated 2024-05-24.

Conditions:
Cardiovascular phenotype. Identifiers: MedGen CN230736.
Progressive familial heart block type IB (PFHB1B). Identifiers: Orphanet 871, MedGen C1970298, MONDO:0011474, OMIM 604559.

Allele frequency attached by ClinVar (database versions not stated): gnomAD 0.00001; TOPMed 0.00001.
gnomAD v4.1: 2 of 1,601,674 alleles (0.00012%); highest among the groups gnomAD compares: African/African-American, 0.0027%; no homozygotes.

Submissions (2):

Ambry Genetics
Classification: Uncertain significance for Cardiovascular phenotype. Last evaluated: 2024-05-24. Review status: criteria provided, single submitter. Criteria: Ambry Variant Classification Scheme 2023. Collection method: clinical testing. Allele origin: germline.
Comment: The p.W525* variant (also known as c.1574G>A), located in coding exon 11 of the TRPM4 gene, results from a G to A substitution at nucleotide position 1574. This changes the amino acid from a tryptophan to a stop codon within coding exon 11. This alteration is expected to result in premature protein truncation or nonsense-mediated mRNA decay. However, loss of function of TRPM4 has not been clearly established as a mechanism of disease. Since supporting evidence is limited at this time, the clinical significance of this alteration remains unclear.

Labcorp Genetics (formerly Invitae), Labcorp
Classification: Likely benign for Progressive familial heart block type IB. Last evaluated: 2022-08-24. Review status: criteria provided, single submitter. Criteria: Invitae Variant Classification Sherloc (09022015). Collection method: clinical testing. Allele origin: germline.

NM_017636.4(TRPM4):c.1574G>A (p.Trp525Ter)

Gene: TRPM4 (transient receptor potential cation channel subfamily M member 4; plus strand). Cytogenetic location: 19q13.33.
Variant type: single nucleotide variant.
Coding change: c.1574G>A on transcript NM_017636.4 (MANE Select); coding-DNA position 1574, G replaced by A.
Protein change: p.Trp525Ter; replaces tryptophan 525 with a stop codon.
Molecular consequence: nonsense. On other transcripts: intron variant (1).
Genome position (GRCh38, 1-based): chr19:49,182,888, G>A. VCF-style: chr19-49182888-G-A. GRCh37 (hg19) VCF-style: chr19-49686145-G-A.
Other names: c.1574G>A, p.Trp525Ter (NM_001195227.2); c.1229G>A, p.Trp410Ter (NM_001321281.2); c.1052G>A, p.Trp351Ter (NM_001321283.2); c.512G>A, p.Trp171Ter (NM_001321285.2); c.-1+21G>A (NM_001321282.2); short protein forms W410*, W171*, W525*, W351*.
Identifiers: ClinVar variation 1775555 (VCV001775555.8), dbSNP rs1417121666, ClinGen allele CA406799868.